The following is an entry in ClinVar:

NM_032271.3(TRAF7):c.511G>C (p.Val171Leu)

Gene: TRAF7 (TNF receptor associated factor 7; plus strand). Cytogenetic location: 16p13.3.
Variant type: single nucleotide variant.
Coding change: c.511G>C on transcript NM_032271.3 (MANE Select); coding-DNA position 511, G replaced by C.
Protein change: p.Val171Leu; replaces valine 171 with leucine.
Molecular consequence: missense variant.
Genome position (GRCh38, 1-based): chr16:2,172,226, G>C. VCF-style: chr16-2172226-G-C. GRCh37 (hg19) VCF-style: chr16-2222227-G-C.
Other names: short protein forms V171L.
Identifiers: ClinVar variation 2629255 (VCV002629255.1), dbSNP rs2545004945, ClinGen allele CA394319986.
Genomic context (GRCh38, chr16:2,172,226, plus strand): 5'-GGGTCAGCACGCCCTCCTCTCCCAGAGAAGTGTCCCGTGGACAACGTCAAACTGACCGTG[G>C]TGGTGAACAACATCGCGGTGGCCGAGCAGATCGGGGAGCTCTTCATCCACTGCCGGCACG-3'
Protein context (NP_115647.2, residues 161-181): CPVDNVKLTV[Val171Leu]VNNIAVAEQI

ClinVar aggregate classification (germline): Uncertain significance (1 of 4 stars; one submission).

Conditions:
TRAF7-related disorder. Also called: TRAF7-related condition.

Allele frequency attached by ClinVar (database versions not stated): gnomAD exomes below 0.00001.
gnomAD v4.1: 2 of 1,613,086 alleles (0.00012%); highest among the groups gnomAD compares: Non-Finnish European, 0.000085%; no homozygotes.

Submission:

PreventionGenetics, part of Exact Sciences
Classification: Uncertain significance for TRAF7-related condition. Last evaluated: 2023-05-03. Review status: criteria provided, single submitter. Criteria: ACMG Guidelines, 2015. Collection method: clinical testing. Allele origin: germline.
Comment: The TRAF7 c.511G>C variant is predicted to result in the amino acid substitution p.Val171Leu. To our knowledge, this variant has not been reported in the literature or in a large population database, indicating this variant is rare. At this time, the clinical significance of this variant is uncertain due to the absence of conclusive functional and genetic evidence.